The following is an entry in ClinVar:

NM_000530.8(MPZ):c.253G>T (p.Gly85Ter)

Gene: MPZ (myelin protein zero; minus strand). Cytogenetic location: 1q23.3.
Variant type: single nucleotide variant.
Coding change: c.253G>T on transcript NM_000530.8 (MANE Select); coding-DNA position 253, G replaced by T.
Protein change: p.Gly85Ter; replaces glycine 85 with a stop codon.
Molecular consequence: nonsense.
Genome position (GRCh38, 1-based): chr1:161,306,903, C>A on the plus strand (G>T on the coding strand, the complement: MPZ is on the minus strand). VCF-style: chr1-161306903-C-A. GRCh37 (hg19) VCF-style: chr1-161276693-C-A.
Other names: c.253G>T, p.Gly85Ter (NM_001315491.2); short protein forms G85*.
Identifiers: ClinVar variation 3376549 (VCV003376549.2).

ClinVar aggregate classification (germline): Pathogenic/Likely pathogenic. Review status: criteria provided, multiple submitters, no conflicts (2 of 4 stars). 2 submissions from 2 submitters: Pathogenic (1); Likely pathogenic (1). Last evaluated 2022-06-24.

Conditions:
MPZ-related disorder. Also called: MPZ-related disorders; MPZ-related condition.
Charcot-Marie-Tooth disease dominant intermediate D. Also called: CHARCOT-MARIE-TOOTH NEUROPATHY, DOMINANT INTERMEDIATE D; Charcot-Marie-Tooth disease dominant intermediate 3; CMT DI3. Identifiers: Orphanet 100046, MedGen C1843075, MONDO:0011909, OMIM 607791.

Submissions (2):

Victorian Clinical Genetics Services, Murdoch Childrens Research Institute
Classification: Pathogenic for Charcot-Marie-Tooth disease dominant intermediate D. Last evaluated: 2022-06-24. Review status: criteria provided, single submitter. Criteria: ACMG Guidelines, 2015. Collection method: clinical testing. Allele origin: germline. Inheritance: Autosomal dominant inheritance. Affected: yes.
Comment: Based on the classification scheme VCGS_Germline_v1.3.4, this variant is classified as Pathogenic. Following criteria are met: 0102 - Loss of function is a known mechanism of disease in this gene and is associated with Charcot-Marie-Tooth disease, dominant intermediate D (MIM#607791), Charcot-Marie-Tooth disease, type 1B, 2I and 2J (MIM#118200, MIM#607677, MIM#607736), Dejerine-Sottas disease (MIM#145900), hypomyelinating neuropathy, congenital, 2 (MIM#618184) and Roussy-Levy syndrome (MIM#180800). Dominant negative and gain-of-function have also been suggested; the former associated with protein truncating variants and more severe phenotypes (PMID:15004559), and the latter was suggested based on mice models (PMID:16495463, 30239779). (I) 0108 - This gene is associated with both recessive and dominant disease. Autosomal recessive is associated with a more severe phenotype (OMIM). There is currently no established genotype-phenotype correlation in terms of variant location and types (PMID:26310628). (I) 0112 - The condition associated with this gene has incomplete penetrance. Asymptomatic carriers have been reported (PMID:11160475, 15716547). (I) 0115 - Variants in this gene are known to have variable expressivity. The same variant can be associated with various disease severity and age of onset (PMID:26310628). (I) 0201 - Variant is predicted to cause nonsense-mediated decay (NMD) and loss of protein (premature termination codon is located at least 54 nucleotides upstream of the final exon-exon junction). (SP) 0251 - This variant is heterozygous. (I) 0301 - Variant is absent from gnomAD (both v2 and v3). (SP) 0701 - Other NMD-predicted variants comparable to the one identified in this case have very strong previous evidence for pathogenicity (DECIPHER, ClinVar). (SP) 0807 - This variant has no previous evidence of pathogenicity. (I) 0905 - No published segregation evidence has been identified for this variant. (I) 1007 - No published functional evidence has been identified for this variant. (I) 1208 - Inheritance information for this variant is not currently available in this individual. (I) Legend: (SP) - Supporting pathogenic, (I) - Information, (SB) - Supporting benign

Blueprint Genetics
Classification: Likely pathogenic for MPZ-related disorders. Last evaluated: 2020-12-16. Review status: criteria provided, single submitter. Criteria: ACMG Guidelines, 2015. Collection method: clinical testing. Allele origin: germline. Affected: yes. Observed: 2 variant alleles.

Literature cited by the submitters: PubMed 11160475 (cited by Victorian Clinical Genetics Services, Murdoch Childrens Research Institute); PubMed 15004559 (cited by Victorian Clinical Genetics Services, Murdoch Childrens Research Institute); PubMed 15716547 (cited by Victorian Clinical Genetics Services, Murdoch Childrens Research Institute); PubMed 16495463 (cited by Victorian Clinical Genetics Services, Murdoch Childrens Research Institute); PubMed 26310628 (cited by Victorian Clinical Genetics Services, Murdoch Childrens Research Institute); PubMed 30239779 (cited by Victorian Clinical Genetics Services, Murdoch Childrens Research Institute).